The following is an entry in ClinVar:

NM_000275.3(OCA2):c.761T>G (p.Leu254Arg)

Gene: OCA2 (OCA2 melanosomal transmembrane protein; minus strand). Cytogenetic location: 15q13.1.
Variant type: single nucleotide variant.
Coding change: c.761T>G on transcript NM_000275.3 (MANE Select); coding-DNA position 761, T replaced by G.
Protein change: p.Leu254Arg; replaces leucine 254 with arginine.
Molecular consequence: missense variant.
Genome position (GRCh38, 1-based): chr15:28,018,443, A>C on the plus strand (T>G on the coding strand, the complement: OCA2 is on the minus strand). VCF-style: chr15-28018443-A-C. GRCh37 (hg19) VCF-style: chr15-28263589-A-C.
Other names: c.761T>G, p.Leu254Arg (NM_001300984.2); c.761T>G (NM_000275.2); short protein forms L254R.
Identifiers: ClinVar variation 1968462 (VCV001968462.6), dbSNP rs1258451850, ClinGen allele CA391366260.

ClinVar aggregate classification (germline): Conflicting classifications of pathogenicity. Review status: criteria provided, conflicting classifications (1 of 4 stars). 2 submissions from 2 submitters: Pathogenic (1); Uncertain significance (1). Last evaluated 2025-11-24.

Conditions:
OCA2-related disorder. Also called: OCA2-related condition.

Allele frequency attached by ClinVar (database versions not stated): gnomAD 0.00001; TOPMed 0.00001.
gnomAD v4.1: 1 of 1,614,004 alleles (0.000062%); highest among the groups gnomAD compares: African/African-American, 0.0013%; no homozygotes.

Submissions (2):

Labcorp Genetics (formerly Invitae), Labcorp
Classification: Pathogenic. Last evaluated: 2025-11-24. Review status: criteria provided, single submitter. Criteria: Invitae Variant Classification Sherloc (09022015). Collection method: clinical testing. Allele origin: germline.
Comment: This sequence change replaces leucine, which is neutral and non-polar, with arginine, which is basic and polar, at codon 254 of the OCA2 protein (p.Leu254Arg). This variant is not present in population databases (gnomAD no frequency). This missense change has been observed in individual(s) with oculocutaneous albinism (internal data). In at least one individual the data is consistent with being in trans (on the opposite chromosome) from a pathogenic variant. It has also been observed to segregate with disease in related individuals. ClinVar contains an entry for this variant (Variation ID: 1968462). Invitae Evidence Modeling of protein sequence and biophysical properties (such as structural, functional, and spatial information, amino acid conservation, physicochemical variation, residue mobility, and thermodynamic stability) indicates that this missense variant is not expected to disrupt OCA2 protein function with a negative predictive value of 80%. For these reasons, this variant has been classified as Pathogenic.

PreventionGenetics, part of Exact Sciences
Classification: Uncertain significance for OCA2-related condition. Last evaluated: 2023-05-25. Review status: criteria provided, single submitter. Criteria: ACMG Guidelines, 2015. Collection method: clinical testing. Allele origin: germline.
Comment: The OCA2 c.761T>G variant is predicted to result in the amino acid substitution p.Leu254Arg. To our knowledge, this variant has not been reported in the literature or in a large population database, indicating this variant is rare. At this time, the clinical significance of this variant is uncertain due to the absence of conclusive functional and genetic evidence.